The following is an entry in ClinVar:

NM_001386140.1(MTTP):c.173G>A (p.Arg58His)

Gene: MTTP (microsomal triglyceride transfer protein; plus strand). Cytogenetic location: 4q23.
Variant type: single nucleotide variant.
Coding change: c.173G>A on transcript NM_001386140.1 (MANE Select); coding-DNA position 173, G replaced by A.
Protein change: p.Arg58His; replaces arginine 58 with histidine.
Molecular consequence: missense variant. On other transcripts: 5 prime UTR variant (1).
Genome position (GRCh38, 1-based): chr4:99,582,016, G>A. VCF-style: chr4-99582016-G-A. GRCh37 (hg19) VCF-style: chr4-100503173-G-A.
Other names: c.173G>A, p.Arg58His (NM_000253.4); c.-77G>A (NM_001300785.2); c.173G>A (NM_000253.2); short protein forms R58H.
Identifiers: ClinVar variation 863670 (VCV000863670.5), dbSNP rs201464944, ClinGen allele CA3021762.

ClinVar aggregate classification (germline): Uncertain significance. Review status: criteria provided, multiple submitters, no conflicts (2 of 4 stars). 3 submissions from 3 submitters: Uncertain significance (2). 1 of the submissions does not count toward it. Last evaluated 2025-04-17.

Conditions:
Abetalipoproteinaemia (ABL). Also called: MTP DEFICIENCY; Abetalipoproteinemia; Abetalipoproteinemia neuropathy; Apolipoprotein B deficiency; Congenital betalipoprotein deficiency syndrome. Identifiers: Orphanet 14, MedGen C0000744, MONDO:0008692, OMIM 200100, HP:0008181.
Inborn genetic diseases. Identifiers: MedGen C0950123, MeSH D030342.

Allele frequency attached by ClinVar (database versions not stated): TOPMed 0.00003; gnomAD 0.00005; ESP Exome Variant Server 0.00008.
gnomAD v4.1: 116 of 1,614,056 alleles (0.0072%); highest among the groups gnomAD compares: Non-Finnish European, 0.0094%; no homozygotes.

Submissions (3):

Labcorp Genetics (formerly Invitae), Labcorp
Classification: Uncertain significance. Last evaluated: 2025-04-17. Review status: criteria provided, single submitter. Criteria: Invitae Variant Classification Sherloc (09022015). Collection method: clinical testing. Allele origin: germline.
Comment: This sequence change replaces arginine, which is basic and polar, with histidine, which is basic and polar, at codon 58 of the MTTP protein (p.Arg58His). This variant is present in population databases (rs201464944, gnomAD 0.006%). This variant has not been reported in the literature in individuals affected with MTTP-related conditions. ClinVar contains an entry for this variant (Variation ID: 863670). Invitae Evidence Modeling of protein sequence and biophysical properties (such as structural, functional, and spatial information, amino acid conservation, physicochemical variation, residue mobility, and thermodynamic stability) indicates that this missense variant is expected to disrupt MTTP protein function with a positive predictive value of 80%. In summary, the available evidence is currently insufficient to determine the role of this variant in disease. Therefore, it has been classified as a Variant of Uncertain Significance.

Ambry Genetics
Classification: Uncertain significance for Inborn genetic diseases. Last evaluated: 2021-09-17. Review status: criteria provided, single submitter. Criteria: Ambry Variant Classification Scheme 2023. Collection method: clinical testing. Allele origin: germline.

Natera, Inc.
Classification: Uncertain significance for Abetalipoproteinemia. Last evaluated: 2020-03-02. Review status: no assertion criteria provided. Collection method: clinical testing. Allele origin: germline. Not counted in ClinVar's aggregate classification.